The following is an entry in ClinVar:

ClinVar aggregate classification (germline): Likely benign. Review status: criteria provided, multiple submitters, no conflicts (2 of 4 stars). 5 submissions from 5 submitters: Likely benign (4). 1 of the submissions does not count toward it. Last evaluated 2026-01-16.

Conditions:
KIF5A-related disorder. Also called: KIF5A-related condition; KIF5A-related disorders.
Hereditary spastic paraplegia 10 (SPG10). Also called: SPASTIC PARAPLEGIA 10 WITH OR WITHOUT PERIPHERAL NEUROPATHY; SPASTIC PARAPLEGIA 10 WITH PERIPHERAL NEUROPATHY; SPASTIC PARAPLEGIA 10, AUTOSOMAL DOMINANT. Identifiers: Orphanet 100991, MedGen C1858712, MONDO:0011408, OMIM 604187.
Spastic paraplegia. Identifiers: MedGen C0037772, HP:0001258.

Allele frequency attached by ClinVar (database versions not stated): gnomAD 0.00016 and 0.00018; ExAC 0.00017; gnomAD exomes 0.00022 and 0.00041; TOPMed 0.00023; ESP Exome Variant Server 0.00031.
gnomAD v4.1: 620 of 1,613,828 alleles (0.038%); highest among the groups gnomAD compares: Non-Finnish European, 0.05%; no homozygotes.

Submissions (5):

Labcorp Genetics (formerly Invitae), Labcorp
Classification: Likely benign for Spastic paraplegia. Last evaluated: 2026-01-16. Review status: criteria provided, single submitter. Criteria: Invitae Variant Classification Sherloc (09022015). Collection method: clinical testing. Allele origin: germline.

Blueprint Genetics
Classification: Likely benign. Last evaluated: 2024-07-11. Review status: criteria provided, single submitter. Criteria: ACMG Guidelines, 2015. Collection method: clinical testing. Allele origin: germline.

Illumina Laboratory Services, Illumina
Classification: Likely benign for Hereditary spastic paraplegia 10. Last evaluated: 2018-01-13. Review status: criteria provided, single submitter. Criteria: ICSL Variant Classification Criteria 13 December 2019. Collection method: clinical testing. Allele origin: germline.
Comment: This variant was observed in the ICSL laboratory as part of a predisposition screen in an ostensibly healthy population. It had not been previously curated by ICSL or reported in the Human Gene Mutation Database (HGMD: prior to June 1st, 2018), and was therefore a candidate for classification through an automated scoring system. Utilizing variant allele frequency, disease prevalence and penetrance estimates, and inheritance mode, an automated score was calculated to assess if this variant is too frequent to cause the disease. Based on the score and internal cut-off values, a variant classified as likely benign is not then subjected to further curation. The score for this variant resulted in a classification of likely benign for this disease.

GeneDx
Classification: Likely benign. Last evaluated: 2017-11-09. Review status: criteria provided, single submitter. Criteria: GeneDx Variant Classification (06012015). Collection method: clinical testing. Allele origin: germline. Affected: yes.
Comment: This variant is considered likely benign or benign based on one or more of the following criteria: it is a conservative change, it occurs at a poorly conserved position in the protein, it is predicted to be benign by multiple in silico algorithms, and/or has population frequency not consistent with disease.

PreventionGenetics, part of Exact Sciences
Classification: Likely benign for KIF5A-related condition. Last evaluated: 2019-06-06. Review status: no assertion criteria provided. Collection method: clinical testing. Allele origin: germline. Not counted in ClinVar's aggregate classification.
Comment: This variant is classified as likely benign based on ACMG/AMP sequence variant interpretation guidelines (Richards et al. 2015 PMID: 25741868, with internal and published modifications).

NM_004984.4(KIF5A):c.129+9C>T

Gene: KIF5A (kinesin family member 5A; plus strand). Cytogenetic location: 12q13.3.
Variant type: single nucleotide variant.
Coding change: c.129+9C>T on transcript NM_004984.4 (MANE Select); 9 bases into the intron after coding-DNA position 129, C replaced by T.
Molecular consequence: intron variant.
Genome position (GRCh38, 1-based): chr12:57,550,409, C>T. VCF-style: chr12-57550409-C-T. GRCh37 (hg19) VCF-style: chr12-57944192-C-T.
Other names: c.129+9C>T (NM_001354705.2).
Identifiers: ClinVar variation 219607 (VCV000219607.15), dbSNP rs372131378, ClinGen allele CA348014.
Genomic context (GRCh38, chr12:57,550,409, plus strand): 5'-GGGAGACAAGTTCATCCCCATTTTCCAAGGGGACGACAGCGTCGTTATTGGGGTGAGTGT[C>T]GCCCAGGAGGGAATTCGGGGAGGGGGCAGGTGGCTGAATCTCCCCGCCCCCCGCAGAGCC-3'